The following is an entry in ClinVar:

ClinVar aggregate classification (germline): Uncertain significance (1 of 4 stars; one submission).

gnomAD v4.1: 1 of 1,614,146 alleles (0.000062%); highest among the groups gnomAD compares: Non-Finnish European, 0.000085%; no homozygotes.

Submission:

Labcorp Genetics (formerly Invitae), Labcorp
Classification: Uncertain significance. Last evaluated: 2025-08-08. Review status: criteria provided, single submitter. Criteria: Invitae Variant Classification Sherloc (09022015). Collection method: clinical testing. Allele origin: germline.
Comment: This sequence change replaces glutamic acid, which is acidic and polar, with lysine, which is basic and polar, at codon 1324 of the RP1 protein (p.Glu1324Lys). This variant is not present in population databases (gnomAD no frequency). This variant has not been reported in the literature in individuals affected with RP1-related conditions. An algorithm developed to predict the effect of missense changes on protein structure and function outputs the following: PolyPhen-2: "Benign". The lysine amino acid residue is found in multiple mammalian species, which suggests that this missense change does not adversely affect protein function. In summary, the available evidence is currently insufficient to determine the role of this variant in disease. Therefore, it has been classified as a Variant of Uncertain Significance.

NM_006269.2(RP1):c.3970G>A (p.Glu1324Lys)

Gene: RP1 (RP1 axonemal microtubule associated; plus strand). Cytogenetic location: 8q12.1.
Variant type: single nucleotide variant.
Coding change: c.3970G>A on transcript NM_006269.2 (MANE Select); coding-DNA position 3970, G replaced by A.
Protein change: p.Glu1324Lys; replaces glutamic acid 1324 with lysine.
Molecular consequence: missense variant. On other transcripts: intron variant (1).
Genome position (GRCh38, 1-based): chr8:54,627,852, G>A. VCF-style: chr8-54627852-G-A. GRCh37 (hg19) VCF-style: chr8-55540412-G-A.
Other names: c.787+5564G>A (NM_001375654.1); short protein forms E1324K.
Identifiers: ClinVar variation 4782039 (VCV004782039.1).
Genomic context (GRCh38, chr8:54,627,852, plus strand): 5'-TCACTTACTGATACTGTGTTTTCTGATAAGGCTTGTGCTCAAAAGGAGAACCATACCTAT[G>A]AGGGAGCTTGCCCAATTGATGAGACCTACGTTCCTGTCAATGTCTGCAATACCATTGACT-3'
Protein context (NP_006260.1, residues 1314-1334): ACAQKENHTY[Glu1324Lys]GACPIDETYV